The following is an entry in ClinVar:

NM_001429.4(EP300):c.7200A>G (p.Ser2400=)

Gene: EP300 (E1A binding protein p300; plus strand). Cytogenetic location: 22q13.2.
Variant type: single nucleotide variant.
Coding change: c.7200A>G on transcript NM_001429.4 (MANE Select); coding-DNA position 7200, A replaced by G.
Protein change: p.Ser2400=; no amino-acid change (serine 2400 retained).
Molecular consequence: synonymous variant.
Genome position (GRCh38, 1-based): chr22:41,178,911, A>G. VCF-style: chr22-41178911-A-G. GRCh37 (hg19) VCF-style: chr22-41574915-A-G.
Other names: c.7122A>G, p.Ser2374= (NM_001362843.2).
Identifiers: ClinVar variation 3352060 (VCV003352060.1).

ClinVar aggregate classification (germline): Likely benign (0 of 4 stars; one submission).

Conditions:
EP300-related disorder. Also called: EP300-related disorders; EP300-related condition.

gnomAD v4.1: 24 of 1,614,124 alleles (0.0015%); highest among the groups gnomAD compares: East Asian, 0.0045%; no homozygotes.

Submission:

PreventionGenetics, part of Exact Sciences
Classification: Likely benign for EP300-related condition. Last evaluated: 2023-03-14. Review status: no assertion criteria provided. Collection method: clinical testing. Allele origin: germline.
Comment: This variant is classified as likely benign based on ACMG/AMP sequence variant interpretation guidelines (Richards et al. 2015 PMID: 25741868, with internal and published modifications).